The following is an entry in ClinVar:

ClinVar aggregate classification (germline): Pathogenic/Likely pathogenic. Review status: criteria provided, multiple submitters, no conflicts (2 of 4 stars). 3 submissions from 3 submitters: Pathogenic (1); Likely pathogenic (1). 1 of the submissions does not count toward it. Last evaluated 2026-04-28.
ClinVar aggregate classification (oncogenicity): Likely oncogenic (1 of 4 stars; one submission).

Conditions:
Neurodevelopmental disorder. Identifiers: MedGen C1535926, MeSH D065886, MONDO:0700092.
Kury-Isidor syndrome (KURIS). Identifiers: MedGen C5676925, MONDO:0859230, OMIM 619762.
Neoplasm. Also called: Neoplasms; Neoplasm (disease); tumor. Identifiers: MedGen C0027651, MeSH D009369, MONDO:0005070, HP:0002664.

Submissions (4):

Wales Gene Park, Division Of Cancer and Genetics, Cardiff University
Classification: Likely pathogenic for Kury-Isidor syndrome. Last evaluated: 2026-04-28. Review status: criteria provided, single submitter. Criteria: ACGS Best Practice Guidelines for Variant Classification in Rare Disease 2024. Collection method: research. Allele origin: unknown. Inheritance: Autosomal dominant inheritance. Affected: yes. Study: 100,000 Genomes Project (Wales).
Comment: Heterozygous BAP1 missense variant detected by genome sequencing. Not in gnomAD (v4.1.1). REVEL score 0.962. Constrained gene (gnomAD missense Z score 3.68). Other missense changes at same residue reported in ClinVar as pathogenic (p.Cys91Arg, p.Cys91Gly). Evidence codes: PM2, PP3, PP2, PM5.

Center for Genomic Medicine, Rigshospitalet, Copenhagen University Hospital
Classification: Likely oncogenic for Neoplasm. Last evaluated: 2025-12-29. Review status: criteria provided, single submitter. Criteria: ClinGen/CGC/VICC Guidelines for Oncogenicity, 2022. Collection method: clinical testing. Allele origin: somatic. Affected: yes.

GeneDx
Classification: Pathogenic. Last evaluated: 2024-04-06. Review status: criteria provided, single submitter. Criteria: GeneDx Variant Classification Process June 2021. Collection method: clinical testing. Allele origin: germline. Affected: yes.
Comment: In silico analysis supports that this missense variant has a deleterious effect on protein structure/function; Not observed at significant frequency in large population cohorts (gnomAD); This variant is associated with the following publications: (PMID: 35051358, 33057194, 35982159)

Laboratory of Molecular Genetics (Pr. Bezieau's lab), CHU de Nantes
Classification: Pathogenic for Neurodevelopmental disorder. Last evaluated: 2021-06-22. Review status: no assertion criteria provided. Collection method: research. Allele origin: de novo. Affected: yes. Not counted in ClinVar's aggregate classification.

Literature cited by the submitters: PubMed 35051358 (cited by Wales Gene Park, Division Of Cancer and Genetics, Cardiff University); PubMed 29284740 (cited by Center for Genomic Medicine, Rigshospitalet, Copenhagen University Hospital); PubMed 28935764 (cited by Center for Genomic Medicine, Rigshospitalet, Copenhagen University Hospital); PubMed 28665402 (cited by Center for Genomic Medicine, Rigshospitalet, Copenhagen University Hospital).

NM_004656.4(BAP1):c.272G>C (p.Cys91Ser)

Gene: BAP1 (BRCA1 associated deubiquitinase 1; minus strand). Cytogenetic location: 3p21.1.
Variant type: single nucleotide variant.
Coding change: c.272G>C on transcript NM_004656.4 (MANE Select); coding-DNA position 272, G replaced by C.
Protein change: p.Cys91Ser; replaces cysteine 91 with serine.
Molecular consequence: missense variant.
Genome position (GRCh38, 1-based): chr3:52,408,061, C>G on the plus strand (G>C on the coding strand, the complement: BAP1 is on the minus strand). VCF-style: chr3-52408061-C-G. GRCh37 (hg19) VCF-style: chr3-52442077-C-G.
Other names: short protein forms C91S.
Identifiers: ClinVar variation 1173081 (VCV001173081.4), dbSNP rs1559591264, ClinGen allele CA353112607.
Genomic context (GRCh38, chr3:52,408,061, plus strand): 5'-GTGGGTCCCAGGTCCACGCTGCTGCAGTTCAGGAGCACGCTCAGCAAGGCATGAGTTGCA[C>G]AAGAGTTGGGTATCAGCTGTGAAACCAAGAATAGTCACCCATACACAGCACCCCTCACTG-3'
Protein context (NP_004647.1, residues 81-101): FFAHQLIPNS[Cys91Ser]ATHALLSVLL